The following is an entry in ClinVar:

NM_015665.5(AAAS):c.310_317delTTTGAGTG

Gene: AAAS (aladin WD repeat nucleoporin; minus strand). Cytogenetic location: 12q13.13.
Variant type: Deletion.
Coding change: c.310_317delTTTGAGTG on transcript NM_015665.5; coding-DNA positions 310 to 317, 8 bases deleted (TTTGAGTG).
Genome position (GRCh38, 1-based): chr12:53,315,417-53,315,424, CACTCAAA deleted on the plus strand (TTTGAGTG on the coding strand, the reverse complement: AAAS is on the minus strand); deleting any 8 consecutive bases within chr12:53,315,417-53,315,428 gives the same sequence; the c. name uses the placement nearest the transcript's 3' end. VCF-style (leftmost placement, unchanged base first): chr12-53315416-CCACTCAAA-C. GRCh37 (hg19) VCF-style: chr12-53709200-CCACTCAAA-C.
Identifiers: ClinVar variation 280691 (VCV000280691.4), dbSNP rs886041850, ClinGen allele CA10603202.

ClinVar aggregate classification (germline): Pathogenic (1 of 4 stars; one submission).

Submission:

GeneDx
Classification: Pathogenic. Last evaluated: 2016-07-05. Review status: criteria provided, single submitter. Criteria: GeneDx Variant Classification (06012015). Collection method: clinical testing. Allele origin: germline. Affected: yes.
Comment: The c.310_317delTTTGAGTG pathogenic variant in the AAAS gene causes a frameshift starting with codon Phenylalanine 104, changes this amino acid to a Glycine residue and creates a premature Stop codon at position 36 of the new reading frame, denoted p.Phe104GlyfsX36. This pathogenic variant is predicted to cause loss of normal protein function either through protein truncation or nonsense-mediated mRNA decay. The variant was not observed in approximately 6,500 individuals of European and African American ancestry in the NHLBI Exome Sequencing Project, indicating it is not a common benign variant in these populations.